The following is an entry in ClinVar:

NM_000089.4(COL1A2):c.1515del (p.Asn507fs)

Gene: COL1A2 (collagen type I alpha 2 chain; plus strand). Cytogenetic location: 7q21.3.
Variant type: Deletion.
Coding change: c.1515del on transcript NM_000089.4 (MANE Select); coding-DNA position 1515, one base deleted (C; older notation c.1515delC).
Protein change: p.Asn507fs; shifts the reading frame from asparagine 507.
Molecular consequence: frameshift variant.
Genome position (GRCh38, 1-based): chr7:94,413,094, C deleted. VCF-style (leftmost placement, unchanged base first): chr7-94413093-GC-G. GRCh37 (hg19) VCF-style: chr7-94042405-GC-G.
Other names: short protein forms N507fs.
Identifiers: ClinVar variation 2938768 (VCV002938768.3), dbSNP rs2484714527, ClinGen allele CA2578941832.

ClinVar aggregate classification (germline): Pathogenic (1 of 4 stars; one submission).

Conditions:
Osteogenesis imperfecta type I (OI1). Also called: Lobstein disease; OI, TYPE I; OSTEOGENESIS IMPERFECTA TARDA; OSTEOGENESIS IMPERFECTA WITH BLUE SCLERAE; Osteogenesis imperfecta type 1; Lobstein's Disease. Identifiers: Orphanet 216796, Orphanet 666, MedGen C0023931, MONDO:0008146, OMIM 166200. Disease mechanism: loss of function.
Ehlers-Danlos syndrome, classic type, 1 (EDSCL1). Also called: EDS I; EHLERS-DANLOS SYNDROME, GRAVIS TYPE; EHLERS-DANLOS SYNDROME, SEVERE CLASSIC TYPE; Ehlers-Danlos syndrome, type 1; Ehlers-Danlos Syndrome, Classic Type, COL5A1-Related. Identifiers: MedGen C0268335, MONDO:0019567, OMIM 130000.

Submission:

Labcorp Genetics (formerly Invitae), Labcorp
Classification: Pathogenic for Osteogenesis imperfecta type I; Ehlers-Danlos syndrome, classic type, 1. Last evaluated: 2023-01-26. Review status: criteria provided, single submitter. Criteria: Invitae Variant Classification Sherloc (09022015). Collection method: clinical testing. Allele origin: germline.
Comment: This variant has not been reported in the literature in individuals affected with COL1A2-related conditions. This variant is not present in population databases (gnomAD no frequency). This sequence change creates a premature translational stop signal (p.Asn507Thrfs*175) in the COL1A2 gene. It is expected to result in an absent or disrupted protein product. Loss-of-function variants in COL1A2 are known to be pathogenic (PMID: 11288717, 15077201). For these reasons, this variant has been classified as Pathogenic.

Literature cited by the submitters: PubMed 11288717; PubMed 15077201.